The following is an entry in ClinVar:

NM_003482.4(KMT2D):c.5079G>A (p.Arg1693=)

Gene: KMT2D (lysine methyltransferase 2D; minus strand). Cytogenetic location: 12q13.12.
Variant type: single nucleotide variant.
Coding change: c.5079G>A on transcript NM_003482.4 (MANE Select); coding-DNA position 5079, G replaced by A.
Protein change: p.Arg1693=; no amino-acid change (arginine 1693 retained).
Molecular consequence: synonymous variant.
Genome position (GRCh38, 1-based): chr12:49,044,407, C>T on the plus strand (G>A on the coding strand, the complement: KMT2D is on the minus strand). VCF-style: chr12-49044407-C-T. GRCh37 (hg19) VCF-style: chr12-49438190-C-T.
Identifiers: ClinVar variation 4874067 (VCV004874067.2).

ClinVar aggregate classification (germline): Likely benign (1 of 4 stars; one submission).

Submission:

CeGaT Center for Human Genetics Tuebingen
Classification: Likely benign. Last evaluated: 2026-05-01. Review status: criteria provided, single submitter. Criteria: CeGaT Center For Human Genetics Tuebingen Variant Classification Criteria Version 2. Collection method: clinical testing. Allele origin: germline. Affected: yes. Observed: 1 variant allele.
Comment: KMT2D: PM2:Supporting, BP4, BP7